The following is an entry in ClinVar:

ClinVar aggregate classification (germline): Likely benign. Review status: criteria provided, single submitter (1 of 4 stars). 2 submissions from 2 submitters: Likely benign (1). 1 of the submissions does not count toward it. Last evaluated 2026-05-01.

Conditions:
DHX34-related disorder. Also called: DHX34-related condition.

Allele frequency attached by ClinVar (database versions not stated): 1000 Genomes Project 0.00080; 1000 Genomes Project 30x 0.00094; gnomAD 0.00263; TOPMed 0.00264; ExAC 0.00284; ESP Exome Variant Server 0.00284; gnomAD exomes 0.00425.
gnomAD v4.1: 6,542 of 1,613,804 alleles (0.41%); highest among the groups gnomAD compares: Non-Finnish European, 0.52%; 18 homozygotes.

Submissions (15):

CeGaT Center for Human Genetics Tuebingen
Classification: Likely benign. Last evaluated: 2026-05-01. Review status: criteria provided, single submitter. Criteria: CeGaT Center For Human Genetics Tuebingen Variant Classification Criteria Version 2. Collection method: clinical testing. Allele origin: germline. Affected: yes. Observed: 2 variant alleles.
Comment: DHX34: BP4, BS2

PreventionGenetics, part of Exact Sciences
Classification: Likely benign for DHX34-related condition. Last evaluated: 2022-10-27. Review status: no assertion criteria provided. Collection method: clinical testing. Allele origin: germline. Not counted in ClinVar's aggregate classification.
Comment: This variant is classified as likely benign based on ACMG/AMP sequence variant interpretation guidelines (Richards et al. 2015 PMID: 25741868, with internal and published modifications).

Dr. Peter K. Rogan Lab, Western University
No classification provided (evidence only). Condition: Malignant tumor of urinary bladder. Review status: no classification provided. Collection method: in vitro. Allele origin: not applicable. Functional consequence: retained intron. Not counted in ClinVar's aggregate classification.

Dr. Peter K. Rogan Lab, Western University
No classification provided (evidence only). Condition: Clear cell carcinoma of kidney. Review status: no classification provided. Collection method: in vitro. Allele origin: not applicable. Functional consequence: retained intron. Not counted in ClinVar's aggregate classification.

Dr. Peter K. Rogan Lab, Western University
No classification provided (evidence only). Condition: Lung cancer. Review status: no classification provided. Collection method: in vitro. Allele origin: not applicable. Functional consequence: retained intron. Not counted in ClinVar's aggregate classification.

Dr. Peter K. Rogan Lab, Western University
No classification provided (evidence only). Condition: Melanoma. Review status: no classification provided. Collection method: in vitro. Allele origin: not applicable. Functional consequence: retained intron. Not counted in ClinVar's aggregate classification.

Dr. Peter K. Rogan Lab, Western University
No classification provided (evidence only). Condition: Familial cancer of breast. Review status: no classification provided. Collection method: in vitro. Allele origin: not applicable. Functional consequence: retained intron. Not counted in ClinVar's aggregate classification.

Dr. Peter K. Rogan Lab, Western University
No classification provided (evidence only). Condition: Acute myeloid leukemia. Review status: no classification provided. Collection method: in vitro. Allele origin: not applicable. Functional consequence: retained intron. Not counted in ClinVar's aggregate classification.

Dr. Peter K. Rogan Lab, Western University
No classification provided (evidence only). Condition: Acute myeloid leukemia. Review status: no classification provided. Collection method: in vitro. Allele origin: not applicable. Functional consequence: retained intron. Not counted in ClinVar's aggregate classification.

Dr. Peter K. Rogan Lab, Western University
No classification provided (evidence only). Condition: Acute myeloid leukemia. Review status: no classification provided. Collection method: in vitro. Allele origin: not applicable. Functional consequence: retained intron. Not counted in ClinVar's aggregate classification.

Dr. Peter K. Rogan Lab, Western University
No classification provided (evidence only). Condition: Colon adenocarcinoma. Review status: no classification provided. Collection method: in vitro. Allele origin: not applicable. Functional consequence: retained intron. Not counted in ClinVar's aggregate classification.

Dr. Peter K. Rogan Lab, Western University
No classification provided (evidence only). Condition: Hepatocellular carcinoma. Review status: no classification provided. Collection method: in vitro. Allele origin: not applicable. Functional consequence: retained intron. Not counted in ClinVar's aggregate classification.

Dr. Peter K. Rogan Lab, Western University
No classification provided (evidence only). Condition: Thymoma. Review status: no classification provided. Collection method: in vitro. Allele origin: not applicable. Functional consequence: retained intron. Not counted in ClinVar's aggregate classification.

Dr. Peter K. Rogan Lab, Western University
No classification provided (evidence only). Condition: Ovarian serous cystadenocarcinoma. Review status: no classification provided. Collection method: in vitro. Allele origin: not applicable. Functional consequence: retained intron. Not counted in ClinVar's aggregate classification.

Dr. Peter K. Rogan Lab, Western University
No classification provided (evidence only). Condition: Ovarian serous cystadenocarcinoma. Review status: no classification provided. Collection method: in vitro. Allele origin: not applicable. Functional consequence: retained intron. Not counted in ClinVar's aggregate classification.

NM_014681.6(DHX34):c.2999G>A (p.Arg1000Gln)

Gene: DHX34 (DExH-box helicase 34; plus strand). Cytogenetic location: 19q13.32.
Variant type: single nucleotide variant.
Coding change: c.2999G>A on transcript NM_014681.6 (MANE Select); coding-DNA position 2999, G replaced by A.
Protein change: p.Arg1000Gln; replaces arginine 1000 with glutamine.
Molecular consequence: missense variant.
Genome position (GRCh38, 1-based): chr19:47,380,832, G>A. VCF-style: chr19-47380832-G-A. GRCh37 (hg19) VCF-style: chr19-47884089-G-A.
Other names: NC_000019.9:g.47884089G>A; short protein forms R1000Q.
Identifiers: ClinVar variation 3038245 (VCV003038245.7), dbSNP rs142828801, ClinGen allele CA9538798.